The following is an entry in ClinVar:

NM_004958.4(MTOR):c.6347C>A (p.Pro2116His)

Gene: MTOR (mechanistic target of rapamycin kinase; minus strand). Cytogenetic location: 1p36.22.
Variant type: single nucleotide variant.
Coding change: c.6347C>A on transcript NM_004958.4 (MANE Select); coding-DNA position 6347, C replaced by A.
Protein change: p.Pro2116His; replaces proline 2116 with histidine.
Molecular consequence: missense variant.
Genome position (GRCh38, 1-based): chr1:11,127,014, G>T on the plus strand (C>A on the coding strand, the complement: MTOR is on the minus strand). VCF-style: chr1-11127014-G-T. GRCh37 (hg19) VCF-style: chr1-11187071-G-T.
Other names: c.6347C>A, p.Pro2116His (NM_001386500.1); c.5099C>A, p.Pro1700His (NM_001386501.1); short protein forms P1700H, P2116H.
Identifiers: ClinVar variation 2766833 (VCV002766833.3), dbSNP rs2100400935, ClinGen allele CA338391426.
Genomic context (GRCh38, chr1:11,127,014, plus strand): 5'-TAAAACAGAAAGGACTATAATGACAGTTAACCCTGCCAGGAGCCTGAAGATCCTACCTGA[G>T]GCAGCTGCTTTGAGATTCGTCGGAACACATGATAATAGAGGTCCCAGGCTTGGGTGAGGT-3'
Protein context (NP_004949.1, residues 2106-2126): HVFRRISKQL[Pro2116His]QLTSLELQYV

ClinVar aggregate classification (germline): Uncertain significance (1 of 4 stars; one submission).

Submission:

Labcorp Genetics (formerly Invitae), Labcorp
Classification: Uncertain significance. Last evaluated: 2023-10-12. Review status: criteria provided, single submitter. Criteria: Invitae Variant Classification Sherloc (09022015). Collection method: clinical testing. Allele origin: germline.
Comment: This sequence change replaces proline, which is neutral and non-polar, with histidine, which is basic and polar, at codon 2116 of the MTOR protein (p.Pro2116His). This variant is not present in population databases (gnomAD no frequency). This variant has not been reported in the literature in individuals affected with MTOR-related conditions. Advanced modeling of protein sequence and biophysical properties (such as structural, functional, and spatial information, amino acid conservation, physicochemical variation, residue mobility, and thermodynamic stability) performed at Invitae indicates that this missense variant is not expected to disrupt MTOR protein function. In summary, the available evidence is currently insufficient to determine the role of this variant in disease. Therefore, it has been classified as a Variant of Uncertain Significance.